The following is an entry in ClinVar:

ClinVar aggregate classification (germline): Likely benign. Review status: criteria provided, multiple submitters, no conflicts (2 of 4 stars). 2 submissions from 2 submitters: Likely benign (2). Last evaluated 2025-08-01.

gnomAD v4.1: 10 of 1,614,236 alleles (0.00062%); highest among the groups gnomAD compares: South Asian, 0.0077%; no homozygotes.

Submissions (2):

CeGaT Center for Human Genetics Tuebingen
Classification: Likely benign. Last evaluated: 2025-08-01. Review status: criteria provided, single submitter. Criteria: CeGaT Center For Human Genetics Tuebingen Variant Classification Criteria Version 2. Collection method: clinical testing. Allele origin: germline. Affected: yes. Observed: 1 variant allele.
Comment: MYH9: BP4, BP7

Blueprint Genetics
Classification: Likely benign. Last evaluated: 2023-11-02. Review status: criteria provided, single submitter. Criteria: ACMG Guidelines, 2015. Collection method: clinical testing. Allele origin: germline.

NM_002473.6(MYH9):c.1506C>T (p.Ile502=)

Gene: MYH9 (myosin heavy chain 9; minus strand). Cytogenetic location: 22q12.3.
Variant type: single nucleotide variant.
Coding change: c.1506C>T on transcript NM_002473.6 (MANE Select); coding-DNA position 1506, C replaced by T.
Protein change: p.Ile502=; no amino-acid change (isoleucine 502 retained).
Molecular consequence: synonymous variant.
Genome position (GRCh38, 1-based): chr22:36,314,193, G>A on the plus strand (C>T on the coding strand, the complement: MYH9 is on the minus strand). VCF-style: chr22-36314193-G-A. GRCh37 (hg19) VCF-style: chr22-36710238-G-A.
Identifiers: ClinVar variation 4083900 (VCV004083900.9).